The following is an entry in ClinVar:

NM_012330.4(KAT6B):c.4210C>T (p.Arg1404Cys)

Gene: KAT6B (lysine acetyltransferase 6B; plus strand). Cytogenetic location: 10q22.2.
Variant type: single nucleotide variant.
Coding change: c.4210C>T on transcript NM_012330.4 (MANE Select); coding-DNA position 4210, C replaced by T.
Protein change: p.Arg1404Cys; replaces arginine 1404 with cysteine.
Molecular consequence: missense variant.
Genome position (GRCh38, 1-based): chr10:75,029,034, C>T. VCF-style: chr10-75029034-C-T. GRCh37 (hg19) VCF-style: chr10-76788792-C-T.
Other names: c.3661C>T, p.Arg1221Cys (NM_001256468.2, NM_001370138.1); c.3334C>T, p.Arg1112Cys (NM_001256469.2, NM_001370139.1, NM_001370140.1 and 2 more transcripts); c.3172C>T, p.Arg1058Cys (NM_001370132.1); c.2521C>T, p.Arg841Cys (NM_001370133.1); c.2125C>T, p.Arg709Cys (NM_001370134.1); c.1867C>T, p.Arg623Cys (NM_001370135.1); c.4210C>T, p.Arg1404Cys (NM_001370136.1, NM_001370137.1); c.3145C>T, p.Arg1049Cys (NM_001370143.1, NM_001370144.1); short protein forms R1049C, R1058C, R1112C, R1221C, R1404C, R623C, R709C, R841C.
Identifiers: ClinVar variation 4822339 (VCV004822339.4).

ClinVar aggregate classification (germline): Likely benign (1 of 4 stars; one submission).

gnomAD v4.1: 16 of 1,613,940 alleles (0.00099%); highest among the groups gnomAD compares: African/African-American, 0.0093%; no homozygotes.

Submission:

CeGaT Center for Human Genetics Tuebingen
Classification: Likely benign. Last evaluated: 2026-01-01. Review status: criteria provided, single submitter. Criteria: CeGaT Center For Human Genetics Tuebingen Variant Classification Criteria Version 2. Collection method: clinical testing. Allele origin: germline. Affected: yes. Observed: 1 variant allele.
Comment: KAT6B: BP4